The following is an entry in ClinVar:

ClinVar aggregate classification (germline): Pathogenic. Review status: criteria provided, multiple submitters, no conflicts (2 of 4 stars). 4 submissions from 4 submitters: Pathogenic (4). Last evaluated 2024-08-14.

Conditions:
Transient bullous dermolysis of the newborn (TBDN). Also called: DYSTROPHIC EPIDERMOLYSIS BULLOSA, NEONATAL; EPIDERMOLYSIS BULLOSA DYSTROPHICA, NEONATAL FORM. Identifiers: Orphanet 79411, MedGen C1851573, MONDO:0007548, OMIM 131705.
Epidermolysis bullosa pruriginosa. Also called: DEB, PRURIGINOSA; DYSTROPHIC EPIDERMOLYSIS BULLOSA PRURIGINOSA. Identifiers: Orphanet 89843, MedGen C1275114, MONDO:0011398, OMIM 604129.
Recessive dystrophic epidermolysis bullosa (RDEB). Also called: severe generalized recessive dystrophic epidermolysis bullosa; EPIDERMOLYSIS BULLOSA DYSTROPHICA, GENERALIZED SEVERE, AUTOSOMAL RECESSIVE; Epidermolysis Bullosa Distrophica Autosomal Recessive (RDEB); DYSTROPHIC EPIDERMOLYSIS BULLOSA, AUTOSOMAL RECESSIVE; EPIDERMOLYSIS BULLOSA DYSTROPHICA, HALLOPEAU-SIEMENS TYPE; epidermolysis bullosa dystrophica, autosomal recessive. Identifiers: Orphanet 79408, Orphanet 79409, MedGen C0079474, MONDO:0009179, OMIM 226600.
Nonsyndromic congenital nail disorder 8. Also called: TOENAIL DYSTROPHY, ISOLATED. Identifiers: MedGen C1843761, MONDO:0011852, OMIM 607523.
Generalized dominant dystrophic epidermolysis bullosa (DDEB). Also called: DDEB, generalized; DDEB-gen; DYSTROPHIC EPIDERMOLYSIS BULLOSA, AUTOSOMAL DOMINANT; Epidermolysis bullosa dystrophica, autosomal dominant; Dominant DEB (DDEB). Identifiers: Orphanet 231568, MedGen C0432322, MONDO:0007549, OMIM 131750.
Pretibial dystrophic epidermolysis bullosa. Also called: Pretibial blistering; EPIDERMOLYSIS BULLOSA DYSTROPHICA, PRETIBIAL; Pretibial epidermolysis bullosa. Identifiers: Orphanet 79410, MedGen C0432321, MONDO:0007552, OMIM 131850, HP:0012221.
Dominant dystrophic epidermolysis bullosa with absence of skin. Also called: EPIDERMOLYSIS BULLOSA WITH CONGENITAL LOCALIZED ABSENCE OF SKIN AND DEFORMITY OF NAILS; EPIDERMOLYSIS BULLOSA DYSTROPHICA, BART TYPE. Identifiers: MedGen C0268371, MONDO:0007557, OMIM 132000.
Epidermolysis bullosa dystrophica. Also called: Dystrophic epidermolysis bullosa, Hallopeau-Siemens type (formerly); Dystrophic epidermolysis bullosa. Identifiers: Orphanet 303, MedGen C0079294, MONDO:0006543.

Allele frequency attached by ClinVar (database versions not stated): gnomAD exomes below 0.00001.
gnomAD v4.1: 3 of 1,613,682 alleles (0.00019%); highest among the groups gnomAD compares: Non-Finnish European, 0.00025%; no homozygotes.

Submissions (4):

Myriad Genetics, Inc.
Classification: Pathogenic for Recessive dystrophic epidermolysis bullosa. Last evaluated: 2024-08-14. Review status: criteria provided, single submitter. Criteria: Myriad Autosomal Dominant, Autosomal Recessive and X-Linked Classification Criteria (2023). Collection method: clinical testing. Allele origin: unknown.
Comment: NM_000094.3(COL7A1):c.3130C>T(Q1044*) is expected to be pathogenic in the context of dystrophic epidermolysis bullosa. This variant is predicted to lead to an abnormal or absent protein product due to the creation of a premature termination codon in COL7A1, a gene where loss-of-function variants are known to be pathogenic. Please note: this variant was assessed in the context of healthy population screening.

Fulgent Genetics
Classification: Pathogenic for Transient bullous dermolysis of the newborn; Generalized dominant dystrophic epidermolysis bullosa; Pretibial dystrophic epidermolysis bullosa; Dominant dystrophic epidermolysis bullosa with absence of skin; Recessive dystrophic epidermolysis bullosa; Epidermolysis bullosa pruriginosa; Nonsyndromic congenital nail disorder 8. Last evaluated: 2024-05-21. Review status: criteria provided, single submitter. Criteria: ACMG Guidelines, 2015. Collection method: clinical testing. Allele origin: germline.

Labcorp Genetics (formerly Invitae), Labcorp
Classification: Pathogenic. Last evaluated: 2023-02-27. Review status: criteria provided, single submitter. Criteria: Invitae Variant Classification Sherloc (09022015). Collection method: clinical testing. Allele origin: germline.
Comment: For these reasons, this variant has been classified as Pathogenic. ClinVar contains an entry for this variant (Variation ID: 1048003). This premature translational stop signal has been observed in individual(s) with COL7A1-related conditions (PMID: 20184583). The frequency data for this variant in the population databases is considered unreliable, as metrics indicate poor data quality at this position in the gnomAD database. This sequence change creates a premature translational stop signal (p.Gln1044*) in the COL7A1 gene. It is expected to result in an absent or disrupted protein product. Loss-of-function variants in COL7A1 are known to be pathogenic (PMID: 16971478).

Biomedical Innovation Departament, CIEMAT
Classification: Pathogenic for Dystrophic epidermolysis bullosa. Last evaluated: 2021-03-08. Review status: criteria provided, single submitter. Criteria: ACMG Guidelines, 2015. Collection method: research. Allele origin: germline. Affected: yes. Observed: 1 variant allele.

Literature cited by the submitters: PubMed 20184583 (cited by Labcorp Genetics (formerly Invitae), Labcorp and Biomedical Innovation Departament, CIEMAT); PubMed 16971478 (cited by Labcorp Genetics (formerly Invitae), Labcorp).

NM_000094.4(COL7A1):c.3130C>T (p.Gln1044Ter)

Gene: COL7A1 (collagen type VII alpha 1 chain; minus strand). Cytogenetic location: 3p21.31.
Variant type: single nucleotide variant.
Coding change: c.3130C>T on transcript NM_000094.4 (MANE Select); coding-DNA position 3130, C replaced by T.
Protein change: p.Gln1044Ter; replaces glutamine 1044 with a stop codon.
Molecular consequence: nonsense.
Genome position (GRCh38, 1-based): chr3:48,587,199, G>A on the plus strand (C>T on the coding strand, the complement: COL7A1 is on the minus strand). VCF-style: chr3-48587199-G-A. GRCh37 (hg19) VCF-style: chr3-48624632-G-A.
Other names: short protein forms Q1044*.
Identifiers: ClinVar variation 1048003 (VCV001048003.10), dbSNP rs1205027821, ClinGen allele CA352711736.
Genomic context (GRCh38, chr3:48,587,199, plus strand): 5'-GGCAGCCCACCCAGACACACCTTTCTGCCCTTCCCACTACGCCCACTATACCTGGCGTCT[G>A]TGTGACAGATGCCTCAGGACCCCGCACACCATCCAGGACAGGCGTCAGGGAGAAGATGTA-3'